The following is an entry in ClinVar:

NM_006567.5(FARS2):c.674C>T (p.Ala225Val)

Gene: FARS2 (phenylalanyl-tRNA synthetase 2, mitochondrial; plus strand). Cytogenetic location: 6p25.1.
Variant type: single nucleotide variant.
Coding change: c.674C>T on transcript NM_006567.5 (MANE Select); coding-DNA position 674, C replaced by T.
Protein change: p.Ala225Val; replaces alanine 225 with valine.
Molecular consequence: missense variant. On other transcripts: 5 prime UTR variant (2).
Genome position (GRCh38, 1-based): chr6:5,404,603, C>T. VCF-style: chr6-5404603-C-T. GRCh37 (hg19) VCF-style: chr6-5404836-C-T.
Other names: c.674C>T, p.Ala225Val (NM_001318872.2, NM_001374875.1, NM_001374876.1 and 5 more transcripts); c.-23C>T (NM_001375259.1, NM_001375260.1); short protein forms A225V.
Identifiers: ClinVar variation 950156 (VCV000950156.13), dbSNP rs745400923, ClinGen allele CA3623709.

ClinVar aggregate classification (germline): Uncertain significance. Review status: criteria provided, multiple submitters, no conflicts (2 of 4 stars). 3 submissions from 3 submitters: Uncertain significance (3). Last evaluated 2025-10-26.

Conditions:
Inborn genetic diseases. Identifiers: MedGen C0950123, MeSH D030342.
Combined oxidative phosphorylation defect type 14. Also called: Combined oxidative phosphorylation deficiency 14. Identifiers: Orphanet 319519, MedGen C4755312, MONDO:0013986, OMIM 614946.

Allele frequency attached by ClinVar (database versions not stated): TOPMed 0.00004; ExAC 0.00002; gnomAD exomes 0.00002; gnomAD 0.00003 and 0.00004.
gnomAD v4.1: 44 of 1,612,176 alleles (0.0027%); highest among the groups gnomAD compares: African/African-American, 0.015%; no homozygotes.

Submissions (3):

Labcorp Genetics (formerly Invitae), Labcorp
Classification: Uncertain significance for Combined oxidative phosphorylation defect type 14. Last evaluated: 2025-10-26. Review status: criteria provided, single submitter. Criteria: Invitae Variant Classification Sherloc (09022015). Collection method: clinical testing. Allele origin: germline.
Comment: This sequence change replaces alanine, which is neutral and non-polar, with valine, which is neutral and non-polar, at codon 225 of the FARS2 protein (p.Ala225Val). This variant is present in population databases (rs745400923, gnomAD 0.02%). This variant has not been reported in the literature in individuals affected with FARS2-related conditions. ClinVar contains an entry for this variant (Variation ID: 950156). Invitae Evidence Modeling of protein sequence and biophysical properties (such as structural, functional, and spatial information, amino acid conservation, physicochemical variation, residue mobility, and thermodynamic stability) indicates that this missense variant is not expected to disrupt FARS2 protein function with a negative predictive value of 95%. In summary, the available evidence is currently insufficient to determine the role of this variant in disease. Therefore, it has been classified as a Variant of Uncertain Significance.

Ambry Genetics
Classification: Uncertain significance for Inborn genetic diseases. Last evaluated: 2024-11-13. Review status: criteria provided, single submitter. Criteria: Ambry Variant Classification Scheme 2023. Collection method: clinical testing. Allele origin: germline.

GeneDx
Classification: Uncertain significance. Last evaluated: 2023-09-29. Review status: criteria provided, single submitter. Criteria: GeneDx Variant Classification Process June 2021. Collection method: clinical testing. Allele origin: germline. Affected: yes.
Comment: Not observed at significant frequency in large population cohorts (gnomAD); In silico analysis supports that this missense variant does not alter protein structure/function; Has not been previously published as pathogenic or benign to our knowledge